The following is an entry in ClinVar:

NM_000168.6(GLI3):c.4675A>G (p.Ile1559Val)

Gene: GLI3 (GLI family zinc finger 3; minus strand). Cytogenetic location: 7p14.1.
Variant type: single nucleotide variant.
Coding change: c.4675A>G on transcript NM_000168.6 (MANE Select); coding-DNA position 4675, A replaced by G.
Protein change: p.Ile1559Val; replaces isoleucine 1559 with valine.
Molecular consequence: missense variant.
Genome position (GRCh38, 1-based): chr7:41,964,398, T>C on the plus strand (A>G on the coding strand, the complement: GLI3 is on the minus strand). VCF-style: chr7-41964398-T-C. GRCh37 (hg19) VCF-style: chr7-42003996-T-C.
Other names: short protein forms I1559V.
Identifiers: ClinVar variation 1021900 (VCV001021900.8), dbSNP rs1583727133, ClinGen allele CA367314538.

ClinVar aggregate classification (germline): Uncertain significance (1 of 4 stars; one submission).

Conditions:
Pallister-Hall syndrome (PHS). Also called: HYPOTHALAMIC HAMARTOBLASTOMA, HYPOPITUITARISM, IMPERFORATE ANUS, AND POSTAXIAL POLYDACTYLY; GLI3-Related Pallister-Hall Syndrome. Identifiers: Orphanet 672, MedGen C0265220, MONDO:0007804, OMIM 146510.
Greig cephalopolysyndactyly syndrome (GCPS). Also called: GLI3-Related Greig Cephalopolysyndactyly Syndrome; POLYSYNDACTYLY WITH PECULIAR SKULL SHAPE; Greig syndrome. Identifiers: Orphanet 380, MedGen C0265306, MONDO:0008287, OMIM 175700.

Allele frequency attached by ClinVar (database versions not stated): gnomAD exomes 0.00001; TOPMed 0.00001.
gnomAD v4.1: 8 of 1,613,996 alleles (0.0005%); highest among the groups gnomAD compares: South Asian, 0.0011%; no homozygotes.

Submission:

Labcorp Genetics (formerly Invitae), Labcorp
Classification: Uncertain significance for Pallister-Hall syndrome; Greig cephalopolysyndactyly syndrome. Last evaluated: 2020-09-29. Review status: criteria provided, single submitter. Criteria: Invitae Variant Classification Sherloc (09022015). Collection method: clinical testing. Allele origin: germline.
Comment: This sequence change replaces isoleucine with valine at codon 1559 of the GLI3 protein (p.Ile1559Val). The isoleucine residue is moderately conserved and there is a small physicochemical difference between isoleucine and valine. This variant is not present in population databases (ExAC no frequency). This variant has not been reported in the literature in individuals with GLI3-related conditions. Algorithms developed to predict the effect of missense changes on protein structure and function (SIFT, PolyPhen-2, Align-GVGD) all suggest that this variant is likely to be tolerated, but these predictions have not been confirmed by published functional studies and their clinical significance is uncertain. In summary, the available evidence is currently insufficient to determine the role of this variant in disease. Therefore, it has been classified as a Variant of Uncertain Significance.